The following is an entry in ClinVar:

ClinVar aggregate classification (germline): Likely benign (1 of 4 stars; one submission).

Allele frequency attached by ClinVar (database versions not stated): gnomAD exomes below 0.00001.
gnomAD v4.1: 1 of 1,613,588 alleles (0.000062%); highest among the groups gnomAD compares: South Asian, 0.0011%; no homozygotes.

Submission:

GeneDx
Classification: Likely benign. Last evaluated: 2015-10-09. Review status: criteria provided, single submitter. Criteria: GeneDx Variant Classification (06012015). Collection method: clinical testing. Allele origin: germline. Affected: yes.
Comment: This variant is considered likely benign or benign based on one or more of the following criteria: it is a conservative change, it occurs at a poorly conserved position in the protein, it is predicted to be benign by multiple in silico algorithms, and/or has population frequency not consistent with disease.

NM_030962.4(SBF2):c.2937G>A (p.Leu979=)

Genes: SBF2 (SET binding factor 2; minus strand), LOC101928008 (uncharacterized LOC101928008; plus strand). Cytogenetic location: 11p15.4.
Variant type: single nucleotide variant.
Coding change: c.2937G>A on transcript NM_030962.4 (MANE Select); coding-DNA position 2937, G replaced by A.
Protein change: p.Leu979=; no amino-acid change (leucine 979 retained).
Molecular consequence: synonymous variant.
Genome position (GRCh38, 1-based): chr11:9,845,738, C>T on the plus strand (G>A on the coding strand, the complement: SBF2 is on the minus strand). VCF-style: chr11-9845738-C-T. GRCh37 (hg19) VCF-style: chr11-9867285-C-T.
Other names: c.2937G>A, p.Leu979= (NM_001386339.1); c.2808G>A, p.Leu936= (NM_001386342.1).
Identifiers: ClinVar variation 381028 (VCV000381028.1), dbSNP rs1057520931, ClinGen allele CA16606049.